The following is an entry in ClinVar:

NM_001127208.3(TET2):c.3505G>A (p.Gly1169Arg)

Genes: TET2 (tet methylcytosine dioxygenase 2; plus strand), TET2-AS1 (TET2 antisense RNA 1; minus strand). Cytogenetic location: 4q24.
Variant type: single nucleotide variant.
Coding change: c.3505G>A on transcript NM_001127208.3 (MANE Select); coding-DNA position 3505, G replaced by A.
Protein change: p.Gly1169Arg; replaces glycine 1169 with arginine.
Molecular consequence: missense variant.
Genome position (GRCh38, 1-based): chr4:105,242,838, G>A. VCF-style: chr4-105242838-G-A. GRCh37 (hg19) VCF-style: chr4-106163995-G-A.
Other names: short protein forms G1169R.
Identifiers: ClinVar variation 2865031 (VCV002865031.3), dbSNP rs1560552797, ClinGen allele CA357804410.

ClinVar aggregate classification (germline): Uncertain significance (1 of 4 stars; one submission).

Submission:

Labcorp Genetics (formerly Invitae), Labcorp
Classification: Uncertain significance. Last evaluated: 2023-06-08. Review status: criteria provided, single submitter. Criteria: Invitae Variant Classification Sherloc (09022015). Collection method: clinical testing. Allele origin: germline.
Comment: In summary, the available evidence is currently insufficient to determine the role of this variant in disease. Therefore, it has been classified as a Variant of Uncertain Significance. An algorithm developed to predict the effect of missense changes on protein structure and function (PolyPhen-2) suggests that this variant is likely to be disruptive. This variant has not been reported in the literature in individuals affected with TET2-related conditions. This variant is not present in population databases (gnomAD no frequency). This sequence change replaces glycine, which is neutral and non-polar, with arginine, which is basic and polar, at codon 1169 of the TET2 protein (p.Gly1169Arg).